The following is an entry in ClinVar:

NM_001283009.2(RTEL1):c.2992+1G>A

Genes: RTEL1 (regulator of telomere elongation helicase 1; plus strand), RTEL1-TNFRSF6B (RTEL1-TNFRSF6B readthrough (NMD candidate); plus strand). Cytogenetic location: 20q13.33.
Variant type: single nucleotide variant.
Coding change: c.2992+1G>A on transcript NM_001283009.2 (MANE Select); the canonical splice donor site of the intron after coding-DNA position 2992, G replaced by A.
Molecular consequence: splice donor variant.
Genome position (GRCh38, 1-based): chr20:63,693,284, G>A. VCF-style: chr20-63693284-G-A. GRCh37 (hg19) VCF-style: chr20-62324637-G-A.
Other names: c.2323+1G>A (NM_001283010.1); c.3064+1G>A (NM_032957.5); c.2992+1G>A (NM_016434.4).
Identifiers: ClinVar variation 1490396 (VCV001490396.8), dbSNP rs1370553261, ClinGen allele CA409683432.

ClinVar aggregate classification (germline): Likely pathogenic (1 of 4 stars; one submission).

Conditions:
Pulmonary fibrosis and/or bone marrow failure, Telomere-related, 3. Also called: PULMONARY FIBROSIS AND/OR BONE MARROW FAILURE SYNDROME, TELOMERE-RELATED, 3. Identifiers: Orphanet 2032, MedGen C4225346, MONDO:0014613, OMIM 616373.
Dyskeratosis congenita, autosomal recessive 5 (DKCB5). Identifiers: MedGen C3554656, MONDO:0014076, OMIM 615190.

Submission:

Labcorp Genetics (formerly Invitae), Labcorp
Classification: Likely pathogenic for Dyskeratosis congenita, autosomal recessive 5; Pulmonary fibrosis and/or bone marrow failure, Telomere-related, 3. Last evaluated: 2023-11-28. Review status: criteria provided, single submitter. Criteria: Invitae Variant Classification Sherloc (09022015). Collection method: clinical testing. Allele origin: germline.
Comment: This sequence change affects a donor splice site in intron 30 of the RTEL1 gene. It is expected to disrupt RNA splicing. Variants that disrupt the donor or acceptor splice site typically lead to a loss of protein function (PMID: 16199547), and loss-of-function variants in RTEL1 are known to be pathogenic (PMID: 23453664, 23959892, 25607374). This variant is not present in population databases (gnomAD no frequency). This variant has not been reported in the literature in individuals affected with RTEL1-related conditions. ClinVar contains an entry for this variant (Variation ID: 1490396). Algorithms developed to predict the effect of sequence changes on RNA splicing suggest that this variant may disrupt the consensus splice site. In summary, the currently available evidence indicates that the variant is pathogenic, but additional data are needed to prove that conclusively. Therefore, this variant has been classified as Likely Pathogenic.

Literature cited by the submitters: PubMed 16199547; PubMed 23453664; PubMed 23959892; PubMed 25607374.